The following is an entry in ClinVar:

NM_001006658.3(CR2):c.3111T>G (p.Cys1037Trp)

Gene: CR2 (complement C3d receptor 2; plus strand). Cytogenetic location: 1q32.2.
Variant type: single nucleotide variant.
Coding change: c.3111T>G on transcript NM_001006658.3 (MANE Select); coding-DNA position 3111, T replaced by G.
Protein change: p.Cys1037Trp; replaces cysteine 1037 with tryptophan.
Molecular consequence: missense variant.
Genome position (GRCh38, 1-based): chr1:207,479,279, T>G. VCF-style: chr1-207479279-T-G. GRCh37 (hg19) VCF-style: chr1-207652624-T-G.
Other names: c.3111T>G (NM_001006658.2); c.2934T>G, p.Cys978Trp (NM_001877.5); short protein forms C1037W, C978W.
Identifiers: ClinVar variation 1056203 (VCV001056203.8), dbSNP rs978563309, ClinGen allele CA36654147.

ClinVar aggregate classification (germline): Uncertain significance. Review status: criteria provided, multiple submitters, no conflicts (2 of 4 stars). 2 submissions from 2 submitters: Uncertain significance (2). Last evaluated 2025-08-06.

Conditions:
Immunodeficiency, common variable, 7. Identifiers: Orphanet 1572, Orphanet 696894, MedGen C3542922, MONDO:0013862, OMIM 614699.
Inborn genetic diseases. Identifiers: MedGen C0950123, MeSH D030342.

Allele frequency attached by ClinVar (database versions not stated): gnomAD exomes 0.00001 and 0.00002; gnomAD 0.00001; TOPMed 0.00002.
gnomAD v4.1: 31 of 1,596,628 alleles (0.0019%); highest among the groups gnomAD compares: Non-Finnish European, 0.0026%; no homozygotes.

Submissions (2):

Ambry Genetics
Classification: Uncertain significance for Inborn genetic diseases. Last evaluated: 2025-08-06. Review status: criteria provided, single submitter. Criteria: Ambry Variant Classification Scheme 2023. Collection method: clinical testing. Allele origin: germline.

Labcorp Genetics (formerly Invitae), Labcorp
Classification: Uncertain significance for Immunodeficiency, common variable, 7. Last evaluated: 2024-10-07. Review status: criteria provided, single submitter. Criteria: Invitae Variant Classification Sherloc (09022015). Collection method: clinical testing. Allele origin: germline.
Comment: This sequence change replaces cysteine, which is neutral and slightly polar, with tryptophan, which is neutral and slightly polar, at codon 1037 of the CR2 protein (p.Cys1037Trp). This variant is present in population databases (no rsID available, gnomAD 0.0009%). This variant has not been reported in the literature in individuals affected with CR2-related conditions. ClinVar contains an entry for this variant (Variation ID: 1056203). An algorithm developed to predict the effect of missense changes on protein structure and function (PolyPhen-2) suggests that this variant¬†is likely to be tolerated. In summary, the available evidence is currently insufficient to determine the role of this variant in disease. Therefore, it has been classified as a Variant of Uncertain Significance.